The following is an entry in ClinVar:

NM_001267550.2(TTN):c.95372G>A (p.Gly31791Asp)

Genes: TTN-AS1 (TTN antisense RNA 1; plus strand), TTN (titin; minus strand). Cytogenetic location: 2q31.2.
Variant type: single nucleotide variant.
Coding change: c.95372G>A on transcript NM_001267550.2 (MANE Select); coding-DNA position 95372, G replaced by A.
Protein change: p.Gly31791Asp; replaces glycine 31791 with aspartic acid.
Molecular consequence: missense variant.
Genome position (GRCh38, 1-based): chr2:178,545,864, C>T on the plus strand (G>A on the coding strand, the complement: TTN is on the minus strand). VCF-style: chr2-178545864-C-T. GRCh37 (hg19) VCF-style: chr2-179410591-C-T.
Other names: c.90449G>A, p.Gly30150Asp (NM_001256850.1); c.68177G>A, p.Gly22726Asp (NM_003319.4); c.87668G>A, p.Gly29223Asp (NM_133378.4); c.68552G>A, p.Gly22851Asp (NM_133432.3); c.68753G>A, p.Gly22918Asp (NM_133437.4); short protein forms G31791D, G30150D, G29223D, G22726D, G22851D, G22918D.
Identifiers: ClinVar variation 132139 (VCV000132139.19), dbSNP rs869320744, ClinGen allele CA358832.
Genomic context (GRCh38, chr2:178,545,864, plus strand): 5'-AAGTGTTAATACTTACTGAATGAGTTTCTGGCTACAATTGGCTCTGATTCAACAGGCACA[C>T]CAGGGCCATATTTGTTTACTGCCCTCACTCGGAATATGTACTCATTGTTCTTGATGAGCC-3'
Protein context (NP_001254479.2, residues 31781-31801): RVRAVNKYGP[Gly31791Asp]VPVESEPIVA

ClinVar aggregate classification (germline): Conflicting classifications of pathogenicity. Review status: criteria provided, conflicting classifications (1 of 4 stars). 4 submissions from 4 submitters: Pathogenic (1); Likely pathogenic (2); Uncertain significance (1). Last evaluated 2025-04-02.

Conditions:
Autosomal recessive limb-girdle muscular dystrophy type 2J (LGMDR10). Also called: MUSCULAR DYSTROPHY, LIMB-GIRDLE, AUTOSOMAL RECESSIVE 10; Limb-girdle muscular dystrophy, type 2J. Identifiers: Orphanet 140922, MedGen C1837342, MONDO:0012127, OMIM 608807.
Dilated cardiomyopathy 1G (CMD1G). Identifiers: Orphanet 154, MedGen C1858763, MONDO:0011400, OMIM 604145.

Submissions (4):

Labcorp Genetics (formerly Invitae), Labcorp
Classification: Pathogenic for Dilated cardiomyopathy 1G; Autosomal recessive limb-girdle muscular dystrophy type 2J. Last evaluated: 2025-04-02. Review status: criteria provided, single submitter. Criteria: Invitae Variant Classification Sherloc (09022015). Collection method: clinical testing. Allele origin: germline.
Comment: This sequence change replaces glycine, which is neutral and non-polar, with aspartic acid, which is acidic and polar, at codon 31791 of the TTN protein (p.Gly31791Asp). This variant is not present in population databases (gnomAD no frequency). This missense change has been observed in individuals with autosomal dominant hereditary myopathy with early respiratory failure (PMID: 23514108, 25253871). It has also been observed to segregate with disease in related individuals. This variant is also known as p.Gly30150Asp. ClinVar contains an entry for this variant (Variation ID: 132139). Experimental studies and prediction algorithms are not available or were not evaluated, and the functional significance of this variant is currently unknown. This variant is located in the A band of TTN (PMID: 25589632). Variants in this region may be relevant for cardiac or neuromuscular disorders (PMID: 25589632, 23975875). This variant disrupts the p.Gly31791 amino acid residue in TTN. Other variant(s) that disrupt this residue have been observed in individuals with TTN-related conditions (PMID: 25253871), which suggests that this may be a clinically significant amino acid residue. For these reasons, this variant has been classified as Pathogenic.

Revvity Omics, Revvity
Classification: Likely pathogenic. Last evaluated: 2023-08-02. Review status: criteria provided, single submitter. Criteria: ACMG Guidelines, 2015. Collection method: clinical testing. Allele origin: germline.

GeneDx
Classification: Likely pathogenic. Last evaluated: 2019-07-19. Review status: criteria provided, single submitter. Criteria: GeneDx Variant Classification Process June 2021. Collection method: clinical testing. Allele origin: germline. Affected: yes.
Comment: In silico analysis, which includes protein predictors and evolutionary conservation, supports a deleterious effect; Not observed in large population cohorts (Lek et al., 2016); This variant is associated with the following publications: (PMID: 32403337, 24575448, 23514108)

Eurofins Ntd Llc (ga)
Classification: Uncertain significance. Last evaluated: 2015-08-21. Review status: criteria provided, single submitter. Criteria: EGL Classification Definitions 2015. Collection method: clinical testing. Allele origin: germline. Observed: 2 variant alleles, 2 heterozygotes.

Literature cited by the submitters: PubMed 23514108 (cited by Labcorp Genetics (formerly Invitae), Labcorp); PubMed 25253871 (cited by Labcorp Genetics (formerly Invitae), Labcorp); PubMed 25589632 (cited by Labcorp Genetics (formerly Invitae), Labcorp); PubMed 23975875 (cited by Labcorp Genetics (formerly Invitae), Labcorp).